The following is an entry in ClinVar:

ClinVar aggregate classification (germline): Uncertain significance (1 of 4 stars; one submission).

Submission:

GeneDx
Classification: Uncertain significance. Last evaluated: 2022-09-08. Review status: criteria provided, single submitter. Criteria: GeneDx Variant Classification Process June 2021. Collection method: clinical testing. Allele origin: germline. Affected: yes.
Comment: Not observed at significant frequency in large population cohorts (gnomAD); In silico analysis supports that this missense variant has a deleterious effect on protein structure/function; Has not been previously published as pathogenic or benign to our knowledge

NM_001394062.1(MACF1):c.21994T>C (p.Phe7332Leu)

Gene: MACF1 (microtubule actin crosslinking factor 1; plus strand). Cytogenetic location: 1p34.3.
Variant type: single nucleotide variant.
Coding change: c.21994T>C on transcript NM_001394062.1 (MANE Select); coding-DNA position 21994, T replaced by C.
Protein change: p.Phe7332Leu; replaces phenylalanine 7332 with leucine.
Molecular consequence: missense variant.
Genome position (GRCh38, 1-based): chr1:39,479,833, T>C. VCF-style: chr1-39479833-T-C. GRCh37 (hg19) VCF-style: chr1-39945505-T-C.
Other names: c.9985T>C, p.Phe3329Leu (NM_001397473.1); c.15730T>C, p.Phe5244Leu (NM_012090.5); short protein forms F3329L, F5244L, F7332L.
Identifiers: ClinVar variation 2443536 (VCV002443536.1), dbSNP rs2523485770, ClinGen allele CA339781097.